The following is an entry in ClinVar:

NM_007194.4(CHEK2):c.533G>C (p.Gly178Ala)

Gene: CHEK2 (checkpoint kinase 2; minus strand). Cytogenetic location: 22q12.1.
Variant type: single nucleotide variant.
Coding change: c.533G>C on transcript NM_007194.4 (MANE Select); coding-DNA position 533, G replaced by C.
Protein change: p.Gly178Ala; replaces glycine 178 with alanine.
Molecular consequence: missense variant. On other transcripts: 5 prime UTR variant (2), intron variant (1).
Genome position (GRCh38, 1-based): chr22:28,725,036, C>G on the plus strand (G>C on the coding strand, the complement: CHEK2 is on the minus strand). VCF-style: chr22-28725036-C-G. GRCh37 (hg19) VCF-style: chr22-29121024-C-G.
Other names: c.662G>C, p.Gly221Ala (NM_001005735.3, NM_001438294.1); c.-245G>C (NM_001257387.3); c.-131G>C (NM_001437942.1); c.626G>C, p.Gly209Ala (NM_001438293.1, NM_001438295.1); c.533G>C, p.Gly178Ala (NM_145862.3); c.445-113G>C (NM_001349956.3); short protein forms G178A, G221A, G209A.
Identifiers: ClinVar variation 1746927 (VCV001746927.2), dbSNP rs864622691, ClinGen allele CA411107254.

ClinVar aggregate classification (germline): Uncertain significance (1 of 4 stars; one submission).

Conditions:
Hereditary cancer-predisposing syndrome. Also called: Hereditary Cancer Syndrome; Neoplastic Syndromes, Hereditary; Tumor predisposition; Hereditary neoplastic syndrome. Identifiers: Orphanet 140162, MedGen C0027672, MeSH D009386, MONDO:0015356.

Submission:

Ambry Genetics
Classification: Uncertain significance for Hereditary cancer-predisposing syndrome. Last evaluated: 2021-11-15. Review status: criteria provided, single submitter. Criteria: Ambry Variant Classification Scheme 2023. Collection method: clinical testing. Allele origin: germline.
Comment: The p.G178A variant (also known as c.533G>C), located in coding exon 3 of the CHEK2 gene, results from a G to C substitution at nucleotide position 533. The glycine at codon 178 is replaced by alanine, an amino acid with similar properties. This amino acid position is well conserved in available vertebrate species. In addition, the in silico prediction for this alteration is inconclusive. Since supporting evidence is limited at this time, the clinical significance of this alteration remains unclear.